The following is an entry in ClinVar:

ClinVar aggregate classification (germline): Conflicting classifications of pathogenicity. Review status: criteria provided, conflicting classifications (1 of 4 stars). 4 submissions from 4 submitters: Uncertain significance (2); Likely benign (1). 1 of the submissions does not count toward it. Last evaluated 2025-03-31.

Conditions:
Acute aortic dissection. Identifiers: MedGen C0241868.
Congenital aneurysm of ascending aorta (AAT1). Also called: ANNULOAORTIC ECTASIA; Aortic aneurysm, thoracic; AORTIC ANEURYSM, FAMILIAL THORACIC 1; Familial thoracic aortic aneurysm. Identifiers: Orphanet 229, MedGen C0345050, MONDO:0024559, OMIM 607086.
Cardiovascular phenotype. Identifiers: MedGen CN230736.

Allele frequency attached by ClinVar (database versions not stated): gnomAD exomes below 0.00001 and 0.00001; ExAC 0.00002; gnomAD 0.00007 and 0.00006; TOPMed 0.00004.
gnomAD v4.1: 17 of 1,613,788 alleles (0.0011%); highest among the groups gnomAD compares: African/African-American, 0.02%; no homozygotes.

Submissions (4):

Labcorp Genetics (formerly Invitae), Labcorp
Classification: Likely benign. Last evaluated: 2025-03-31. Review status: criteria provided, single submitter. Criteria: Invitae Variant Classification Sherloc (09022015). Collection method: clinical testing. Allele origin: germline.

Ambry Genetics
Classification: Uncertain significance for Cardiovascular phenotype. Last evaluated: 2021-08-27. Review status: criteria provided, single submitter. Criteria: Ambry Variant Classification Scheme 2023. Collection method: clinical testing. Allele origin: germline.
Comment: The p.L154F variant (also known as c.460C>T), located in coding exon 1 of the LOX gene, results from a C to T substitution at nucleotide position 460. The leucine at codon 154 is replaced by phenylalanine, an amino acid with highly similar properties. This alteration was reported in a thoracic aortic aneurysm and dissection (TAAD) cohort (Guo DC et al. Circ Res, 2016 Mar;118:928-34). This amino acid position is highly conserved in available vertebrate species. In addition, this alteration is predicted to be tolerated by in silico analysis. Since supporting evidence is limited at this time, the clinical significance of this alteration remains unclear.

GeneDx
Classification: Uncertain significance. Last evaluated: 2019-10-23. Review status: criteria provided, single submitter. Criteria: GeneDx Variant Classification Process June 2021. Collection method: clinical testing. Allele origin: germline. Affected: yes.
Comment: Has not been previously published as pathogenic or benign to our knowledge; Not observed at significant frequency in large population cohorts (Lek et al., 2016); In silico analysis, which includes protein predictors and evolutionary conservation, supports that this variant does not alter protein structure/function

University of Washington Center for Mendelian Genomics, University of Washington
Classification: Benign for Familial thoracic aortic aneurysms; Acute aortic dissections. Last evaluated: 2016-01-12. Review status: no assertion criteria provided. Collection method: research. Allele origin: unknown. Inheritance: Autosomal dominant inheritance. Affected: yes. Observed: 1 heterozygote. Not counted in ClinVar's aggregate classification.

Literature cited by the submitters: PubMed 26838787 (cited by Ambry Genetics); PMC 4839295 (cited by University of Washington Center for Mendelian Genomics, University of Washington).

NM_002317.7(LOX):c.460C>T (p.Leu154Phe)

Genes: LOX (lysyl oxidase; minus strand), SRFBP1 (serum response factor binding protein 1; plus strand). Cytogenetic location: 5q23.1.
Variant type: single nucleotide variant.
Coding change: c.460C>T on transcript NM_002317.7 (MANE Select); coding-DNA position 460, C replaced by T.
Protein change: p.Leu154Phe; replaces leucine 154 with phenylalanine.
Molecular consequence: missense variant.
Genome position (GRCh38, 1-based): chr5:122,077,526, G>A on the plus strand (C>T on the coding strand, the complement: LOX is on the minus strand). VCF-style: chr5-122077526-G-A. GRCh37 (hg19) VCF-style: chr5-121413221-G-A.
Other names: short protein forms L154F.
Identifiers: ClinVar variation 617850 (VCV000617850.7), dbSNP rs767855588, ClinGen allele CA3384032.